The following is an entry in ClinVar:

ClinVar aggregate classification (germline): Conflicting classifications of pathogenicity. Review status: criteria provided, conflicting classifications (1 of 4 stars). 16 submissions from 15 submitters: Uncertain significance (1); Benign (2); Likely benign (12). 1 of the submissions does not count toward it. Last evaluated 2026-09-01.

Conditions:
Connective tissue disorder. Also called: Connective tissue disease. Identifiers: MedGen C0009782, MONDO:0003900.
Inborn genetic diseases. Identifiers: MedGen C0950123, MeSH D030342.
Familial thoracic aortic aneurysm and aortic dissection (TAAD). Also called: Thoracic aortic aneurysms and dissections. Identifiers: Orphanet 91387, MedGen C4707243, MONDO:0019625.
Aortic aneurysm, familial thoracic 4 (AAT4). Also called: AORTIC ANEURYSM/AORTIC DISSECTION AND PATENT DUCTUS ARTERIOSUS. Identifiers: MedGen C1851504, MONDO:0007568, OMIM 132900.
Aortic aneurysm, familial thoracic 6 (AAT6). Also called: FAMILIAL THORACIC AORTIC ANEURYSM WITH LIVEDO RETICULARIS AND IRIS FLOCCULI. Identifiers: MedGen C2673186, MONDO:0012730, OMIM 611788.

Allele frequency attached by ClinVar (database versions not stated): 1000 Genomes Project 0.00040; ExAC 0.00124; gnomAD exomes 0.00136 and 0.00257; gnomAD 0.00160 and 0.00171; TOPMed 0.00170; ESP Exome Variant Server 0.00246; 1000 Genomes Project 30x 0.00031.
gnomAD v4.1: 3,920 of 1,614,030 alleles (0.24%); highest among the groups gnomAD compares: Non-Finnish European, 0.32%; 5 homozygotes.

Submissions (16):

CeGaT Center for Human Genetics Tuebingen
Classification: Likely benign. Last evaluated: 2026-09-01. Review status: criteria provided, single submitter. Criteria: CeGaT Center For Human Genetics Tuebingen Variant Classification Criteria Version 2. Collection method: clinical testing. Allele origin: germline. Affected: yes. Observed: 27 variant alleles.
Comment: MYH11: BP4

ARUP Laboratories, Molecular Genetics and Genomics, ARUP Laboratories
Classification: Likely benign. Last evaluated: 2025-07-21. Review status: criteria provided, single submitter. Criteria: ARUP Molecular Germline Variant Investigation Process 2024. Collection method: clinical testing. Allele origin: germline.

Molecular Diagnostic Laboratory for Inherited Cardiovascular Disease, Montreal Heart Institute
Classification: Likely benign. Last evaluated: 2025-04-09. Review status: criteria provided, single submitter. Criteria: ACMG Guidelines, 2015. Collection method: clinical testing. Allele origin: germline. Affected: no.
Comment: BS1;BS2;BP4;BP6

Blueprint Genetics
Classification: Likely benign. Last evaluated: 2024-11-18. Review status: criteria provided, single submitter. Criteria: ACMG Guidelines, 2015. Collection method: clinical testing. Allele origin: germline.

Labcorp Genetics (formerly Invitae), Labcorp
Classification: Benign for Aortic aneurysm, familial thoracic 4. Last evaluated: 2022-11-30. Review status: criteria provided, single submitter. Criteria: Invitae Variant Classification Sherloc (09022015). Collection method: clinical testing. Allele origin: germline.

Ambry Genetics
Classification: Likely benign for Inborn genetic diseases. Last evaluated: 2022-08-09. Review status: criteria provided, single submitter. Criteria: Ambry Variant Classification Scheme 2023. Collection method: clinical testing. Allele origin: germline.

GeneDx
Classification: Likely benign. Last evaluated: 2021-04-15. Review status: criteria provided, single submitter. Criteria: GeneDx Variant Classification Process June 2021. Collection method: clinical testing. Allele origin: germline. Affected: yes.
Comment: This variant is associated with the following publications: (PMID: 28600387, 25500235, 25188385, 30122538, 32859249)

CHEO Genetics Diagnostic Laboratory, Children's Hospital of Eastern Ontario
Classification: Benign for Familial thoracic aortic aneurysm and aortic dissection. Last evaluated: 2019-09-16. Review status: criteria provided, single submitter. Criteria: ACMG Guidelines, 2015. Collection method: clinical testing. Allele origin: germline.

Ambry Genetics
Classification: Likely benign for Familial thoracic aortic aneurysm and aortic dissection. Last evaluated: 2019-03-20. Review status: criteria provided, single submitter. Criteria: Ambry Variant Classification Scheme 2023. Collection method: clinical testing. Allele origin: germline.

Center for Human Genetics, Inc
Classification: Likely benign for Connective tissue disorder. Last evaluated: 2018-06-01. Review status: criteria provided, single submitter. Criteria: ACMG Guidelines, 2015. Collection method: clinical testing. Allele origin: germline. Affected: yes.

Color Diagnostics, LLC DBA Color Health
Classification: Likely benign for Familial thoracic aortic aneurysm and aortic dissection. Last evaluated: 2018-03-07. Review status: criteria provided, single submitter. Criteria: ACMG Guidelines, 2015. Collection method: clinical testing. Allele origin: germline.

Illumina Laboratory Services, Illumina
Classification: Uncertain significance for Aortic aneurysm, familial thoracic 4. Last evaluated: 2018-01-13. Review status: criteria provided, single submitter. Criteria: ICSL Variant Classification Criteria 13 December 2019. Collection method: clinical testing. Allele origin: germline.

Clinical Genetics DNA and cytogenetics Diagnostics Lab, Erasmus MC, Erasmus Medical Center
Classification: Likely benign for Aortic aneurysm, familial thoracic 4. Last evaluated: 2017-09-12. Review status: criteria provided, single submitter. Criteria: ACGS Guidelines, 2013. Collection method: clinical testing. Allele origin: germline. Affected: yes. Study: VKGL Data-share Consensus.

Genome Diagnostics Laboratory, University Medical Center Utrecht
Classification: Likely benign for Aortic aneurysm, familial thoracic 4. Last evaluated: 2016-07-05. Review status: criteria provided, single submitter. Criteria: ACGS Guidelines, 2013. Collection method: clinical testing. Allele origin: germline. Affected: yes. Study: VKGL Data-share Consensus.

CSER _CC_NCGL, University of Washington
Classification: Likely benign for Familial thoracic aortic aneurysm. Last evaluated: 2015-03-11. Review status: criteria provided, single submitter. Criteria: Amendola et al. (Genome Res. 2015). Collection method: research. Allele origin: germline. Inheritance: Autosomal dominant inheritance. Study: CSER - NEXT Medicine variant annotation.

Laboratory of Diagnostic Genome Analysis, Leiden University Medical Center (LUMC)
Classification: Likely benign. Review status: no assertion criteria provided. Collection method: clinical testing. Allele origin: germline. Affected: yes. Study: VKGL Data-share Consensus. Not counted in ClinVar's aggregate classification.

Literature cited by the submitters: PubMed 25500235 (cited by Ambry Genetics).

NM_002474.3(MYH11):c.5800A>T (p.Thr1934Ser)

Genes: MYH11 (myosin heavy chain 11; minus strand), NDE1 (nudE neurodevelopment protein 1; plus strand). Cytogenetic location: 16p13.11.
Variant type: single nucleotide variant.
Coding change: c.5800A>T on transcript NM_002474.3 (MANE Select); coding-DNA position 5800, A replaced by T.
Protein change: p.Thr1934Ser; replaces threonine 1934 with serine.
Molecular consequence: missense variant. On other transcripts: 3 prime UTR variant (2), intron variant (2).
Genome position (GRCh38, 1-based): chr16:15,704,110, T>A on the plus strand (A>T on the coding strand, the complement: MYH11 is on the minus strand). VCF-style: chr16-15704110-T-A. GRCh37 (hg19) VCF-style: chr16-15797967-T-A.
Other names: p.T1934S:ACC>TCC; c.*22A>T (NM_001040113.2, NM_022844.3); c.5821A>T, p.Thr1941Ser (NM_001040114.2); c.947+7250T>A (NM_001143979.2, NM_017668.3); short protein forms T1934S, T1941S.
Identifiers: ClinVar variation 201044 (VCV000201044.75), dbSNP rs113667224, ClinGen allele CA306482.
Genomic context (GRCh38, chr16:15,704,110, plus strand): 5'-AACCATCTGCATTTTCAATAACTCTACGTCCTCCAGACCTTCTAGAAGGAACGAAAGAGG[T>A]CTCGTTTCCTCGCCTGTGGGTTGTAAGAAAACACATTATTTAGCAAAGAAATCTTCATGG-3'
Protein context (NP_002465.1, residues 1924-1944): LKSKLRRGNE[Thr1934Ser]SFVPSRRSGG